The following is an entry in ClinVar:

NM_002109.6(HARS1):c.801T>G (p.Ile267Met)

Gene: HARS1 (histidyl-tRNA synthetase 1; minus strand). Cytogenetic location: 5q31.3.
Variant type: single nucleotide variant.
Coding change: c.801T>G on transcript NM_002109.6 (MANE Select); coding-DNA position 801, T replaced by G.
Protein change: p.Ile267Met; replaces isoleucine 267 with methionine.
Molecular consequence: missense variant.
Genome position (GRCh38, 1-based): chr5:140,677,349, A>C on the plus strand (T>G on the coding strand, the complement: HARS1 is on the minus strand). VCF-style: chr5-140677349-A-C. GRCh37 (hg19) VCF-style: chr5-140056934-A-C.
Other names: c.681T>G, p.Ile227Met (NM_001258040.3); c.741T>G, p.Ile247Met (NM_001258041.3); c.621T>G, p.Ile207Met (NM_001258042.3); c.579T>G, p.Ile193Met (NM_001289092.2); c.459T>G, p.Ile153Met (NM_001289093.2); c.714T>G, p.Ile238Met (NM_001289094.2); short protein forms I153M, I193M, I207M, I238M, I247M, I227M, I267M.
Identifiers: ClinVar variation 2167087 (VCV002167087.4), dbSNP rs2481252365, ClinGen allele CA361253769.

ClinVar aggregate classification (germline): Uncertain significance (1 of 4 stars; one submission).

Conditions:
Usher syndrome type 3B. Also called: USHER SYNDROME, TYPE IIIB. Identifiers: MedGen C3281066, MONDO:0013788, OMIM 614504.

Submission:

Labcorp Genetics (formerly Invitae), Labcorp
Classification: Uncertain significance for Usher syndrome type 3B. Last evaluated: 2022-02-22. Review status: criteria provided, single submitter. Criteria: Invitae Variant Classification Sherloc (09022015). Collection method: clinical testing. Allele origin: germline.
Comment: Algorithms developed to predict the effect of missense changes on protein structure and function are either unavailable or do not agree on the potential impact of this missense change (SIFT: "Deleterious"; PolyPhen-2: "Probably Damaging"; Align-GVGD: "Class C0"). This variant has not been reported in the literature in individuals affected with HARS-related conditions. This variant is not present in population databases (gnomAD no frequency). This sequence change replaces isoleucine, which is neutral and non-polar, with methionine, which is neutral and non-polar, at codon 267 of the HARS protein (p.Ile267Met). In summary, the available evidence is currently insufficient to determine the role of this variant in disease. Therefore, it has been classified as a Variant of Uncertain Significance.